The following is an entry in ClinVar:

NM_012233.3(RAB3GAP1):c.2279A>G (p.Glu760Gly)

Gene: RAB3GAP1 (RAB3 GTPase activating protein catalytic subunit 1; plus strand). Cytogenetic location: 2q21.3.
Variant type: single nucleotide variant.
Coding change: c.2279A>G on transcript NM_012233.3 (MANE Select); coding-DNA position 2279, A replaced by G.
Protein change: p.Glu760Gly; replaces glutamic acid 760 with glycine.
Molecular consequence: missense variant.
Genome position (GRCh38, 1-based): chr2:135,153,866, A>G. VCF-style: chr2-135153866-A-G. GRCh37 (hg19) VCF-style: chr2-135911436-A-G.
Other names: c.2279A>G, p.Glu760Gly (NM_001172435.2); short protein forms E760G.
Identifiers: ClinVar variation 3253319 (VCV003253319.1), dbSNP rs200499974.
Genomic context (GRCh38, chr2:135,153,866, plus strand): 5'-GGGAAACAGCTAAGCCAATTCCTGCTAGAAGGCAAAGGAGACTCTTTGATGATACACGGG[A>G]AGCAGAAAAGGTAATTGAGGTTTGAGTCTCTAATACTAGAATGCAAATTACTGTTCTTAT-3'
Protein context (NP_036365.1, residues 750-770): RQRRLFDDTR[Glu760Gly]AEKVLHYLAI

ClinVar aggregate classification (germline): Uncertain significance (1 of 4 stars; one submission).

Allele frequency attached by ClinVar (database versions not stated): gnomAD 0.00002; gnomAD exomes 0.00003; TOPMed 0.00003; ExAC 0.00007.
gnomAD v4.1: 56 of 1,613,502 alleles (0.0035%); highest among the groups gnomAD compares: Non-Finnish European, 0.00017%; no homozygotes.

Submission:

GeneDx
Classification: Uncertain significance. Last evaluated: 2023-06-27. Review status: criteria provided, single submitter. Criteria: GeneDx Variant Classification Process June 2021. Collection method: clinical testing. Allele origin: germline. Affected: yes.
Comment: In silico analysis supports that this missense variant has a deleterious effect on protein structure/function; Has not been previously published as pathogenic or benign to our knowledge